The following is an entry in ClinVar:

NC_000023.10:g.(?_2852873)_(2856318_?)dup

Gene: ARSL (arylsulfatase L; minus strand). Cytogenetic location: Xp22.33.
Variant type: Duplication.
Identifiers: ClinVar variation 2422196 (VCV002422196.3).

ClinVar aggregate classification (germline): Uncertain significance (1 of 4 stars; one submission).

Conditions:
Chondrodysplasia punctata, brachytelephalangic, autosomal. Also called: BRACHYTELEPHALANGIC CHONDRODYSPLASIA PUNCTATA. Identifiers: MedGen C1844853, MONDO:0011238, OMIM 602497.

Submission:

Labcorp Genetics (formerly Invitae), Labcorp
Classification: Uncertain significance for Chondrodysplasia punctata, brachytelephalangic, autosomal. Last evaluated: 2022-06-08. Review status: criteria provided, single submitter. Criteria: Invitae Variant Classification Sherloc (09022015). Collection method: clinical testing. Allele origin: germline.
Comment: This variant results in a copy number gain of the genomic region encompassing exon(s) 9-11 of the ARSE gene. This region includes the termination codon of the gene. This copy number gain extends beyond the assayed region for this gene and therefore may encompass additional genes. As the precise location of this event is unknown, it may be in tandem or it may be located elsewhere in the genome. In summary, the available evidence is currently insufficient to determine the role of this variant in disease. Therefore, it has been classified as a Variant of Uncertain Significance. Experimental studies and prediction algorithms are not available or were not evaluated, and the functional significance of this variant is currently unknown. This variant has not been reported in the literature in individuals affected with ARSE-related conditions.